The following is an entry in ClinVar:

NM_000256.3(MYBPC3):c.2801dup (p.Pro935fs)

Gene: MYBPC3 (myosin binding protein C3; minus strand). Cytogenetic location: 11p11.2.
Variant type: Duplication.
Coding change: c.2801dup on transcript NM_000256.3 (MANE Select); coding-DNA position 2801, one base duplicated (T; older notation c.2801dupT).
Protein change: p.Pro935fs; shifts the reading frame from proline 935.
Molecular consequence: frameshift variant.
Genome position (GRCh38, 1-based): chr11:47,335,146, A duplicated on the plus strand (T on the coding strand, the reverse complement: MYBPC3 is on the minus strand). VCF-style (leftmost placement, unchanged base first): chr11-47335145-C-CA. GRCh37 (hg19) VCF-style: chr11-47356696-C-CA.
Other names: short protein forms P935fs.
Identifiers: ClinVar variation 2850865 (VCV002850865.3), dbSNP rs2495744526, ClinGen allele CA2739270418.

ClinVar aggregate classification (germline): Pathogenic (1 of 4 stars; one submission).

Conditions:
Hypertrophic cardiomyopathy. Also called: HYPERTROPHIC MYOCARDIOPATHY. Identifiers: Orphanet 217569, MedGen C0007194, MeSH D002312, MONDO:0005045, HP:0001639.

Submission:

Labcorp Genetics (formerly Invitae), Labcorp
Classification: Pathogenic for Hypertrophic cardiomyopathy. Last evaluated: 2023-03-30. Review status: criteria provided, single submitter. Criteria: Invitae Variant Classification Sherloc (09022015). Collection method: clinical testing. Allele origin: germline.
Comment: This variant is not present in population databases (gnomAD no frequency). This variant has not been reported in the literature in individuals affected with MYBPC3-related conditions. Algorithms developed to predict the effect of sequence changes on RNA splicing suggest that this variant may disrupt the consensus splice site. For these reasons, this variant has been classified as Pathogenic. This sequence change creates a premature translational stop signal (p.Pro935Alafs*116) in the MYBPC3 gene. It is expected to result in an absent or disrupted protein product. Loss-of-function variants in MYBPC3 are known to be pathogenic (PMID: 19574547).

Literature cited by the submitters: PubMed 19574547.